The following is an entry in ClinVar:

ClinVar aggregate classification (germline): Uncertain significance. Review status: criteria provided, multiple submitters, no conflicts (2 of 4 stars). 2 submissions from 2 submitters: Uncertain significance (2). Last evaluated 2026-10-01.

Conditions:
Autosomal recessive osteopetrosis 1. Also called: ALBERS-SCHONBERG DISEASE, AUTOSOMAL RECESSIVE; TCIRG1-Related Osteopetrosis; TCIRG1-Related Autosomal Recessive Osteopetrosis. Identifiers: Orphanet 667, MedGen C1850127, MONDO:0009815, OMIM 259700.

Allele frequency attached by ClinVar (database versions not stated): ExAC 0.00014.
gnomAD v4.1: 310 of 1,548,694 alleles (0.02%); highest among the groups gnomAD compares: Non-Finnish European, 0.025%; no homozygotes.

Submissions (2):

St. Jude Molecular Pathology, St. Jude Children's Research Hospital
Classification: Uncertain significance for Autosomal recessive osteopetrosis 1. Last evaluated: 2026-10-01. Review status: criteria provided, single submitter. Criteria: St. Jude Assertion Criteria 2020. Collection method: clinical testing. Allele origin: germline.
Comment: The TCIRG1 c.814G>A p.(Gly272Arg) missense change has a maximum subpopulation frequency of 0.04% in gnomAD v2.1.1. The in si lico tool REVEL is inconclusive about a pathogenic or benign effect of this variant on protein function, and to our knowledge functional studies have not been performed. To our knowledge, this variant has not been reported in individuals with TCIRG1- ass ociated conditions. In summary, the evidence currently available is insufficient to determine the clinical significance of this variant. It has therefore been classified as of uncertain significance.

Labcorp Genetics (formerly Invitae), Labcorp
Classification: Uncertain significance. Last evaluated: 2024-11-18. Review status: criteria provided, single submitter. Criteria: Invitae Variant Classification Sherloc (09022015). Collection method: clinical testing. Allele origin: germline.
Comment: This sequence change replaces glycine, which is neutral and non-polar, with arginine, which is basic and polar, at codon 272 of the TCIRG1 protein (p.Gly272Arg). This variant is present in population databases (rs769761112, gnomAD 0.04%). This variant has not been reported in the literature in individuals affected with TCIRG1-related conditions. ClinVar contains an entry for this variant (Variation ID: 2072648). Invitae Evidence Modeling of protein sequence and biophysical properties (such as structural, functional, and spatial information, amino acid conservation, physicochemical variation, residue mobility, and thermodynamic stability) indicates that this missense variant is not expected to disrupt TCIRG1 protein function with a negative predictive value of 80%. In summary, the available evidence is currently insufficient to determine the role of this variant in disease. Therefore, it has been classified as a Variant of Uncertain Significance.

NM_006019.4(TCIRG1):c.814G>A (p.Gly272Arg)

Gene: TCIRG1 (T cell immune regulator 1, ATPase H+ transporting V0 subunit a3; plus strand). Cytogenetic location: 11q13.2.
Variant type: single nucleotide variant.
Coding change: c.814G>A on transcript NM_006019.4 (MANE Select); coding-DNA position 814, G replaced by A.
Protein change: p.Gly272Arg; replaces glycine 272 with arginine.
Molecular consequence: missense variant. On other transcripts: 5 prime UTR variant (1).
Genome position (GRCh38, 1-based): chr11:68,044,138, G>A. VCF-style: chr11-68044138-G-A. GRCh37 (hg19) VCF-style: chr11-67811605-G-A.
Other names: c.-81G>A (NM_001351059.2); c.166G>A, p.Gly56Arg (NM_006053.4); short protein forms G272R, G56R.
Identifiers: ClinVar variation 2072648 (VCV002072648.3), dbSNP rs769761112, ClinGen allele CA6146833.